The following is an entry in ClinVar:

ClinVar aggregate classification (germline): Uncertain significance. Review status: criteria provided, multiple submitters, no conflicts (2 of 4 stars). 2 submissions from 2 submitters: Uncertain significance (2). Last evaluated 2024-10-22.

Submissions (2):

Labcorp Genetics (formerly Invitae), Labcorp
Classification: Uncertain significance. Last evaluated: 2024-10-22. Review status: criteria provided, single submitter. Criteria: Invitae Variant Classification Sherloc (09022015). Collection method: clinical testing. Allele origin: germline.
Comment: This variant, c.143_151del, results in the deletion of 3 amino acid(s) of the NDUFV2 protein (p.Asn48_Asp50del), but otherwise preserves the integrity of the reading frame. This variant is present in population databases (rs763882642, gnomAD 0.004%). This variant has not been reported in the literature in individuals affected with NDUFV2-related conditions. ClinVar contains an entry for this variant (Variation ID: 1347209). Experimental studies and prediction algorithms are not available or were not evaluated, and the functional significance of this variant is currently unknown. In summary, the available evidence is currently insufficient to determine the role of this variant in disease. Therefore, it has been classified as a Variant of Uncertain Significance.

GeneDx
Classification: Uncertain significance. Last evaluated: 2023-07-20. Review status: criteria provided, single submitter. Criteria: GeneDx Variant Classification Process June 2021. Collection method: clinical testing. Allele origin: germline. Affected: yes.
Comment: Not observed at significant frequency in large population cohorts (gnomAD); In-frame deletion of 3 amino acids in a non-repeat region; In silico analysis supports a deleterious effect on protein structure/function; Has not been previously published as pathogenic or benign to our knowledge

NM_021074.5(NDUFV2):c.143_151del (p.Asn48_Asp50del)

Gene: NDUFV2 (NADH:ubiquinone oxidoreductase core subunit V2; plus strand). Cytogenetic location: 18p11.22.
Variant type: Deletion.
Coding change: c.143_151del on transcript NM_021074.5 (MANE Select); coding-DNA positions 143 to 151, 9 bases deleted (ACCCTGATA; older notation c.143_151delACCCTGATA).
Protein change: p.Asn48_Asp50del.
Molecular consequence: inframe deletion.
Genome position (GRCh38, 1-based): chr18:9,119,348-9,119,356, ACCCTGATA deleted; deleting any 9 consecutive bases within chr18:9,119,345-9,119,356 gives the same sequence; the c. name uses the placement nearest the transcript's 3' end. VCF-style (leftmost placement, unchanged base first): chr18-9119344-AATAACCCTG-A. GRCh37 (hg19) VCF-style: chr18-9119342-AATAACCCTG-A.
Other names: c.143_151del (NM_021074.3).
Identifiers: ClinVar variation 1347209 (VCV001347209.8), dbSNP rs763882642, ClinGen allele CA8887128.
Genomic context (GRCh38, chr18:9,119,344, plus strand): 5'-AGAGAATTTGGATAAGTCTGAAAAACTGTTTTTGTTGTGTAGCACAGAGATACTCCTGAG[AATAACCCTG>A]ATACTCCATTTGATTTCACACCAGAAAACTATAAGGTATGGCTAAATTAACATTATAATT-3'